The following is an entry in ClinVar:

ClinVar aggregate classification (germline): Uncertain significance (1 of 4 stars; one submission).

Submission:

Ambry Genetics
Classification: Uncertain significance. Last evaluated: 2022-06-04. Review status: criteria provided, single submitter. Criteria: Ambry Variant Classification Scheme 2023. Collection method: clinical testing. Allele origin: germline.
Comment: The p.A2097T variant (also known as c.6289G>A), located in coding exon 20 of the POLQ gene, results from a G to A substitution at nucleotide position 6289. The alanine at codon 2097 is replaced by threonine, an amino acid with similar properties. This amino acid position is conserved. In addition, this alteration is predicted to be tolerated by in silico analysis. Since supporting evidence is limited at this time, the clinical significance of this alteration remains unclear.

NM_199420.4(POLQ):c.6289G>A (p.Ala2097Thr)

Gene: POLQ (DNA polymerase theta; minus strand). Cytogenetic location: 3q13.33.
Variant type: single nucleotide variant.
Coding change: c.6289G>A on transcript NM_199420.4 (MANE Select); coding-DNA position 6289, G replaced by A.
Protein change: p.Ala2097Thr; replaces alanine 2097 with threonine.
Molecular consequence: missense variant.
Genome position (GRCh38, 1-based): chr3:121,476,656, C>T on the plus strand (G>A on the coding strand, the complement: POLQ is on the minus strand). VCF-style: chr3-121476656-C-T. GRCh37 (hg19) VCF-style: chr3-121195503-C-T.
Other names: short protein forms A2097T.
Identifiers: ClinVar variation 1752633 (VCV001752633.2), dbSNP rs2546777213, ClinGen allele CA354087031.